The following is an entry in ClinVar:

NM_014319.5(LEMD3):c.2106dup (p.Ile704fs)

Gene: LEMD3 (LEM domain containing 3; plus strand). Cytogenetic location: 12q14.3.
Variant type: Duplication.
Coding change: c.2106dup on transcript NM_014319.5 (MANE Select); coding-DNA position 2106, one base duplicated (C; older notation c.2106dupC).
Protein change: p.Ile704fs; shifts the reading frame from isoleucine 704.
Molecular consequence: frameshift variant.
Genome position (GRCh38, 1-based): chr12:65,240,218, C duplicated; the last of 2 consecutive C bases (chr12:65,240,217-65,240,218); duplicating either gives the same sequence. VCF-style (leftmost placement, unchanged base first): chr12-65240216-T-TC. GRCh37 (hg19) VCF-style: chr12-65633996-T-TC.
Other names: c.2103dup, p.Ile703fs (NM_001167614.2); short protein forms I703fs, I704fs.
Identifiers: ClinVar variation 2726634 (VCV002726634.3), dbSNP rs2498907861, ClinGen allele CA2697559326.
Genomic context (GRCh38, chr12:65,240,216, plus strand): 5'-GAAGCCTGCCAGGAAAACAAAGATTTACAACCTTACATGCCTATTCCACATGTACGCGAT[T>TC]CCTTAATACAGCCTCATGACAGGTGTGTTCAAAGCATTATGAGTTCAAGTAAATCAGAAA-3'

ClinVar aggregate classification (germline): Pathogenic (1 of 4 stars; one submission).

Submission:

Labcorp Genetics (formerly Invitae), Labcorp
Classification: Pathogenic. Last evaluated: 2023-06-23. Review status: criteria provided, single submitter. Criteria: Invitae Variant Classification Sherloc (09022015). Collection method: clinical testing. Allele origin: germline.
Comment: This sequence change creates a premature translational stop signal (p.Ile704Asnfs*5) in the LEMD3 gene. It is expected to result in an absent or disrupted protein product. Loss-of-function variants in LEMD3 are known to be pathogenic (PMID: 15489854, 19438932). This variant is not present in population databases (gnomAD no frequency). This variant has not been reported in the literature in individuals affected with LEMD3-related conditions. For these reasons, this variant has been classified as Pathogenic.

Literature cited by the submitters: PubMed 15489854; PubMed 19438932.